The following is an entry in ClinVar:

NM_001136193.2(FASTKD2):c.1900G>A (p.Val634Ile)

Gene: FASTKD2 (FAST kinase domains 2; plus strand). Cytogenetic location: 2q33.3.
Variant type: single nucleotide variant.
Coding change: c.1900G>A on transcript NM_001136193.2 (MANE Select); coding-DNA position 1900, G replaced by A.
Protein change: p.Val634Ile; replaces valine 634 with isoleucine.
Molecular consequence: missense variant.
Genome position (GRCh38, 1-based): chr2:206,790,573, G>A. VCF-style: chr2-206790573-G-A. GRCh37 (hg19) VCF-style: chr2-207655297-G-A.
Other names: c.1900G>A, p.Val634Ile (NM_001136194.2, NM_014929.4); short protein forms V634I.
Identifiers: ClinVar variation 1714796 (VCV001714796.5), dbSNP rs2468844471, ClinGen allele CA350083056.
Genomic context (GRCh38, chr2:206,790,573, plus strand): 5'-CAGCAAGACTAAATAGTAATATCAATAACTGTTCTTGTTTTGTTTATTTTTGTTTTCAGA[G>A]TAGCTGTGCTATGTGTTTCCAGATCTGCTTATTGTTTGGGTTCAAGCCACCCCAGAGGAT-3'
Protein context (NP_001129665.1, residues 624-644): DTTSATDIQR[Val634Ile]AVLCVSRSAY

ClinVar aggregate classification (germline): Uncertain significance (1 of 4 stars; one submission).

Submission:

Labcorp Genetics (formerly Invitae), Labcorp
Classification: Uncertain significance. Last evaluated: 2022-08-20. Review status: criteria provided, single submitter. Criteria: Invitae Variant Classification Sherloc (09022015). Collection method: clinical testing. Allele origin: germline.
Comment: In summary, the available evidence is currently insufficient to determine the role of this variant in disease. Therefore, it has been classified as a Variant of Uncertain Significance. Algorithms developed to predict the effect of missense changes on protein structure and function output the following: SIFT: "Tolerated"; PolyPhen-2: "Benign"; Align-GVGD: "Class C0". The isoleucine amino acid residue is found in multiple mammalian species, which suggests that this missense change does not adversely affect protein function. This variant has not been reported in the literature in individuals affected with FASTKD2-related conditions. This variant is not present in population databases (gnomAD no frequency). This sequence change replaces valine, which is neutral and non-polar, with isoleucine, which is neutral and non-polar, at codon 634 of the FASTKD2 protein (p.Val634Ile).